The following is an entry in ClinVar:

NM_022436.3(ABCG5):c.905-8del

Genes: ABCG5 (ATP binding cassette subfamily G member 5; minus strand), DYNC2LI1 (dynein cytoplasmic 2 light intermediate chain 1; plus strand). Cytogenetic location: 2p21.
Variant type: Deletion.
Coding change: c.905-8del on transcript NM_022436.3 (MANE Select); 8 bases into the intron before coding-DNA position 905, one base deleted (A; older notation c.905-8delA).
Molecular consequence: intron variant.
Genome position (GRCh38, 1-based): chr2:43,824,440, T deleted on the plus strand (A on the coding strand, the reverse complement: ABCG5 is on the minus strand); the first of 5 consecutive T bases (chr2:43,824,440-43,824,444); deleting any one gives the same sequence. VCF-style (leftmost placement, unchanged base first): chr2-43824439-GT-G. GRCh37 (hg19) VCF-style: chr2-44051578-GT-G.
Other names: c.*16-2942del (NM_001348913.2, NM_001348912.2).
Identifiers: ClinVar variation 4993823 (VCV004993823.1).
Genomic context (GRCh38, chr2:43,824,439, plus strand): 5'-TGGAGGTTTCTATTTCCCGTTCCTTGCTTTGGGTATCCACTGACGTCAGGTCCACTAAAA[GT>G]TTTTCCCAAAAGATGTCACCCATGTGTTTTTAAATGCATGTATGTACATGGATATACAAT-3'

ClinVar aggregate classification (germline): Likely benign (1 of 4 stars; one submission).

Conditions:
ABCG5-related disorder. Also called: ABCG5-related condition.

Submission:

PreventionGenetics, part of Exact Sciences
Classification: Likely benign for ABCG5-related condition. Last evaluated: 2026-05-03. Review status: criteria provided, single submitter. Criteria: ACMG Guidelines, 2015. Collection method: clinical testing. Allele origin: germline.
Comment: This variant is classified as likely benign based on ACMG/AMP sequence variant interpretation guidelines (Richards et al. 2015 PMID: 25741868, with internal and published modifications).